The following is an entry in ClinVar:

NM_006941.4(SOX10):c.734C>T (p.Pro245Leu)

Genes: POLR2F (RNA polymerase II, I and III subunit F; plus strand), SOX10 (SRY-box transcription factor 10; minus strand). Cytogenetic location: 22q13.1.
Variant type: single nucleotide variant.
Coding change: c.734C>T on transcript NM_006941.4 (MANE Select); coding-DNA position 734, C replaced by T.
Protein change: p.Pro245Leu; replaces proline 245 with leucine.
Molecular consequence: missense variant. On other transcripts: intron variant (3).
Genome position (GRCh38, 1-based): chr22:37,974,162, G>A on the plus strand (C>T on the coding strand, the complement: SOX10 is on the minus strand). VCF-style: chr22-37974162-G-A. GRCh37 (hg19) VCF-style: chr22-38370169-G-A.
Other names: c.*38+1852G>A (NM_001363825.1); c.293+6992G>A (NM_001301130.2, NM_001301131.2); short protein forms P245L.
Identifiers: ClinVar variation 2662989 (VCV002662989.1), dbSNP rs763676505, ClinGen allele CA411494624.

ClinVar aggregate classification (germline): Uncertain significance (1 of 4 stars; one submission).

Submission:

GeneDx
Classification: Uncertain significance. Last evaluated: 2023-05-10. Review status: criteria provided, single submitter. Criteria: GeneDx Variant Classification Process June 2021. Collection method: clinical testing. Allele origin: germline. Affected: yes.
Comment: Not observed at significant frequency in large population cohorts (gnomAD); In silico analysis supports that this missense variant has a deleterious effect on protein structure/function; Has not been previously published as pathogenic or benign to our knowledge